The following is an entry in ClinVar:

ClinVar aggregate classification (germline): Likely benign (1 of 4 stars; one submission).

Allele frequency attached by ClinVar (database versions not stated): gnomAD exomes below 0.00001 and 0.00001; ExAC 0.00001; gnomAD 0.00002; TOPMed 0.00002.
gnomAD v4.1: 13 of 1,612,856 alleles (0.00081%); highest among the groups gnomAD compares: Middle Eastern, 0.016%; no homozygotes.

Submission:

GeneDx
Classification: Likely benign. Last evaluated: 2016-08-22. Review status: criteria provided, single submitter. Criteria: GeneDx Variant Classification (06012015). Collection method: clinical testing. Allele origin: germline. Affected: yes.
Comment: This variant is considered likely benign or benign based on one or more of the following criteria: it is a conservative change, it occurs at a poorly conserved position in the protein, it is predicted to be benign by multiple in silico algorithms, and/or has population frequency not consistent with disease.

NM_001909.5(CTSD):c.*10C>T

Gene: CTSD (cathepsin D; minus strand). Cytogenetic location: 11p15.5.
Variant type: single nucleotide variant.
Coding change: c.*10C>T on transcript NM_001909.5 (MANE Select); 10 bases downstream of the stop codon, C replaced by T.
Molecular consequence: 3 prime UTR variant.
Genome position (GRCh38, 1-based): chr11:1,753,493, G>A on the plus strand (C>T on the coding strand, the complement: CTSD is on the minus strand). VCF-style: chr11-1753493-G-A. GRCh37 (hg19) VCF-style: chr11-1774723-G-A.
Identifiers: ClinVar variation 377762 (VCV000377762.1), dbSNP rs768283127, ClinGen allele CA5813862.
Genomic context (GRCh38, chr11:1,753,493, plus strand): 5'-CGCTGGGCCAGGGGCCTCCTGCTCTGGGACTCTCCTCTGTTTCTGTGCTGGCGCGCGGAC[G>A]CCTTGGGAACTAGAGGCGGGCAGCCTCGGCGAAGCCCACCCTGTTGTTGTCACGGTCAAA-3'